The following is an entry in ClinVar:

NM_004006.3(DMD):c.4672A>C (p.Lys1558Gln)

Gene: DMD (dystrophin; minus strand). Cytogenetic location: Xp21.1.
Variant type: single nucleotide variant.
Coding change: c.4672A>C on transcript NM_004006.3 (MANE Select); coding-DNA position 4672, A replaced by C.
Protein change: p.Lys1558Gln; replaces lysine 1558 with glutamine.
Molecular consequence: missense variant.
Genome position (GRCh38, 1-based): chrX:32,386,312, T>G on the plus strand (A>C on the coding strand, the complement: DMD is on the minus strand). VCF-style: chrX-32386312-T-G. GRCh37 (hg19) VCF-style: chrX-32404429-T-G.
Other names: c.4648A>C, p.Lys1550Gln (NM_000109.4); c.4660A>C, p.Lys1554Gln (NM_004009.3); c.4303A>C, p.Lys1435Gln (NM_004010.3); c.649A>C, p.Lys217Gln (NM_004011.4); c.640A>C, p.Lys214Gln (NM_004012.4); short protein forms K1554Q, K214Q, K217Q, K1550Q, K1435Q, K1558Q.
Identifiers: ClinVar variation 2164359 (VCV002164359.1), dbSNP rs779458962, ClinGen allele CA10378903.
Genomic context (GRCh38, chrX:32,386,312, plus strand): 5'-GCTTTACAATTTATAAGGAAAGTGGAAAGAAGTGTTTGTGGTCTCAGCATGCACACACCT[T>G]TGCTCCCAGCTCATTATAATGCAATTTCAAAGCTGTTACTCTTTCATCAAGTTCTTTGGG-3'
Protein context (NP_003997.2, residues 1548-1568): LKLHYNELGA[Lys1558Gln]VTERKQQLEK

ClinVar aggregate classification (germline): Uncertain significance (1 of 4 stars; one submission).

Conditions:
Duchenne muscular dystrophy (DMD). Also called: MUSCULAR DYSTROPHY, PSEUDOHYPERTROPHIC PROGRESSIVE, DUCHENNE TYPE; Duchenne Muscular Dystrophy (DMD). Identifiers: Orphanet 98896, MedGen C0013264, MONDO:0010679, OMIM 310200.

Allele frequency attached by ClinVar (database versions not stated): gnomAD exomes below 0.00001; TOPMed below 0.00001; ExAC 0.00001.
gnomAD v4.1: 1 of 1,208,954 alleles (0.000083%); highest among the groups gnomAD compares: African/African-American, 0.0017%; no homozygotes.

Submission:

Labcorp Genetics (formerly Invitae), Labcorp
Classification: Uncertain significance for Duchenne muscular dystrophy. Last evaluated: 2022-05-13. Review status: criteria provided, single submitter. Criteria: Invitae Variant Classification Sherloc (09022015). Collection method: clinical testing. Allele origin: germline.
Comment: This sequence change replaces lysine, which is basic and polar, with glutamine, which is neutral and polar, at codon 1558 of the DMD protein (p.Lys1558Gln). This variant is present in population databases (rs779458962, gnomAD 0.008%). This variant has not been reported in the literature in individuals affected with DMD-related conditions. Algorithms developed to predict the effect of missense changes on protein structure and function are either unavailable or do not agree on the potential impact of this missense change (SIFT: "Tolerated"; PolyPhen-2: "Possibly Damaging"; Align-GVGD: "Class C0"). In summary, the available evidence is currently insufficient to determine the role of this variant in disease. Therefore, it has been classified as a Variant of Uncertain Significance.